The following is an entry in ClinVar:

ClinVar aggregate classification (germline): Pathogenic. Review status: criteria provided, single submitter (1 of 4 stars). 2 submissions from 2 submitters: Pathogenic (1). 1 of the submissions does not count toward it. Last evaluated 2021-05-02.

Conditions:
Retinal dystrophy. Also called: Inherited retinal dystrophy. Identifiers: Orphanet 71862, MedGen C0854723, MeSH D058499, MONDO:0019118, HP:0000556.
Bardet-Biedl syndrome (BBS). Identifiers: Orphanet 110, MedGen C0752166, MONDO:0015229.

Submissions (2):

Labcorp Genetics (formerly Invitae), Labcorp
Classification: Pathogenic for Bardet-Biedl syndrome. Last evaluated: 2021-05-02. Review status: criteria provided, single submitter. Criteria: Invitae Variant Classification Sherloc (09022015). Collection method: clinical testing. Allele origin: germline.
Comment: This sequence change creates a premature translational stop signal (p.Thr485Asnfs*8) in the BBS10 gene. While this is not anticipated to result in nonsense mediated decay, it is expected to disrupt the last 239 amino acid(s) of the BBS10 protein. This variant is not present in population databases (ExAC no frequency). This variant has not been reported in the literature in individuals with BBS10-related conditions. This variant disrupts the C-terminus of the BBS10 protein. Other variant(s) that disrupt this region (p.Val707*) have been determined to be pathogenic (PMID: 25982971, 22773737, 27486776, 20472660). This suggests that variants that disrupt this region of the protein are likely to be causative of disease. For these reasons, this variant has been classified as Pathogenic.

Institute of Human Genetics, Univ. Regensburg, Univ. Regensburg
Classification: Pathogenic for Retinal dystrophy. Last evaluated: 2022-01-01. Review status: no assertion criteria provided. Criteria: ACMG Guidelines, 2015. Collection method: clinical testing. Allele origin: germline. Affected: yes. Not counted in ClinVar's aggregate classification.

Literature cited by the submitters: PubMed 25982971 (cited by Labcorp Genetics (formerly Invitae), Labcorp); PubMed 22773737 (cited by Labcorp Genetics (formerly Invitae), Labcorp); PubMed 27486776 (cited by Labcorp Genetics (formerly Invitae), Labcorp); PubMed 20472660 (cited by Labcorp Genetics (formerly Invitae), Labcorp).

NM_024685.4(BBS10):c.1453dup (p.Thr485fs)

Gene: BBS10 (Bardet-Biedl syndrome 10; minus strand). Cytogenetic location: 12q21.2.
Variant type: Duplication.
Coding change: c.1453dup on transcript NM_024685.4 (MANE Select); coding-DNA position 1453, one base duplicated (A; older notation c.1453dupA).
Protein change: p.Thr485fs; shifts the reading frame from threonine 485.
Molecular consequence: frameshift variant.
Genome position (GRCh38, 1-based): chr12:76,346,532, T duplicated on the plus strand (A on the coding strand, the reverse complement: BBS10 is on the minus strand); the first of 3 consecutive T bases (chr12:76,346,532-76,346,534); duplicating any one gives the same sequence. VCF-style (leftmost placement, unchanged base first): chr12-76346531-G-GT. GRCh37 (hg19) VCF-style: chr12-76740311-G-GT.
Other names: short protein forms T485fs.
Identifiers: ClinVar variation 1445932 (VCV001445932.9), dbSNP rs2136090243, ClinGen allele CA2573148989.